The following is an entry in ClinVar:

NM_014989.7(RIMS1):c.1384C>T (p.Pro462Ser)

Gene: RIMS1 (regulating synaptic membrane exocytosis 1; plus strand). Cytogenetic location: 6q13.
Variant type: single nucleotide variant.
Coding change: c.1384C>T on transcript NM_014989.7 (MANE Select); coding-DNA position 1384, C replaced by T.
Protein change: p.Pro462Ser; replaces proline 462 with serine.
Molecular consequence: missense variant.
Genome position (GRCh38, 1-based): chr6:72,182,855, C>T. VCF-style: chr6-72182855-C-T. GRCh37 (hg19) VCF-style: chr6-72892558-C-T.
Other names: short protein forms P462S.
Identifiers: ClinVar variation 2721464 (VCV002721464.3), dbSNP rs541997223, ClinGen allele CA364821139.
Genomic context (GRCh38, chr6:72,182,855, plus strand): 5'-AAGCAGCTAACGAACCACAGCCCGCCGGCGCCCAGACATGGGCCGGTTCCCGCAGAAGCC[C>T]CGGAGCTCAAAGCCCAGGAGCCCCTCAGGAAGCAGAGCCGCCTGGACCCCAGCTCGGCGG-3'
Protein context (NP_055804.2, residues 452-472): PRHGPVPAEA[Pro462Ser]ELKAQEPLRK

ClinVar aggregate classification (germline): Uncertain significance (1 of 4 stars; one submission).

Submission:

Labcorp Genetics (formerly Invitae), Labcorp
Classification: Uncertain significance. Last evaluated: 2023-10-23. Review status: criteria provided, single submitter. Criteria: Invitae Variant Classification Sherloc (09022015). Collection method: clinical testing. Allele origin: germline.
Comment: This sequence change replaces proline, which is neutral and non-polar, with serine, which is neutral and polar, at codon 462 of the RIMS1 protein (p.Pro462Ser). This variant is not present in population databases (gnomAD no frequency). This variant has not been reported in the literature in individuals affected with RIMS1-related conditions. An algorithm developed to predict the effect of missense changes on protein structure and function (PolyPhen-2) suggests that this variant is likely to be tolerated. In summary, the available evidence is currently insufficient to determine the role of this variant in disease. Therefore, it has been classified as a Variant of Uncertain Significance.